The following is an entry in ClinVar:

NM_032638.5(GATA2):c.666G>T (p.Lys222Asn)

Gene: GATA2 (GATA binding protein 2; minus strand). Cytogenetic location: 3q21.3.
Variant type: single nucleotide variant.
Coding change: c.666G>T on transcript NM_032638.5 (MANE Select); coding-DNA position 666, G replaced by T.
Protein change: p.Lys222Asn; replaces lysine 222 with asparagine.
Molecular consequence: missense variant.
Genome position (GRCh38, 1-based): chr3:128,485,932, C>A on the plus strand (G>T on the coding strand, the complement: GATA2 is on the minus strand). VCF-style: chr3-128485932-C-A. GRCh37 (hg19) VCF-style: chr3-128204775-C-A.
Other names: c.666G>T, p.Lys222Asn (NM_001145661.2, NM_001145662.1); short protein forms K222N.
Identifiers: ClinVar variation 2089406 (VCV002089406.4), dbSNP rs2472930473, ClinGen allele CA354406293.
Genomic context (GRCh38, chr3:128,485,932, plus strand): 5'-TGTAGCAGGCTGGGTGCCCATAGTAGCTAGGCCTGGGCGCAGGGGACTGCCACTTTCCAT[C>A]TTCATGCTCTCCGTCAGTGACACCTGGTACTTGACGCCGTCCTTGTCCTCTCCTCGGGCT-3'
Protein context (NP_116027.2, residues 212-232): KYQVSLTESM[Lys222Asn]MESGSPLRPG

ClinVar aggregate classification (germline): Uncertain significance (1 of 4 stars; one submission).

Conditions:
Deafness-lymphedema-leukemia syndrome. Also called: Lymphedema, primary, with myelodysplasia; Emberger syndrome. Identifiers: Orphanet 3226, MedGen C3279664, MONDO:0013540, OMIM 614038.
Monocytopenia with susceptibility to infections. Also called: IMMUNODEFICIENCY 21; MONOCYTOPENIA AND MYCOBACTERIAL INFECTION SYNDROME; MONOCYTOPENIA WITH SUSCEPTIBILITY TO MYCOBACTERIAL, FUNGAL, AND PAPILLOMAVIRUS INFECTIONS AND MYELODYSPLASIA; COMBINED IMMUNODEFICIENCY WITH SUSCEPTIBILITY TO MYCOBACTERIAL, VIRAL, AND FUNGAL INFECTIONS; Dendritic cell, monocyte, B lymphocyte, and natural killer lymphocyte deficiency; GATA2 DEFICIENCY. Identifiers: Orphanet 228423, MedGen C3280030, MONDO:0013607, OMIM 614172.

Submission:

Labcorp Genetics (formerly Invitae), Labcorp
Classification: Uncertain significance for Monocytopenia with susceptibility to infections; Deafness-lymphedema-leukemia syndrome. Last evaluated: 2022-04-16. Review status: criteria provided, single submitter. Criteria: Invitae Variant Classification Sherloc (09022015). Collection method: clinical testing. Allele origin: germline.
Comment: In summary, the available evidence is currently insufficient to determine the role of this variant in disease. Therefore, it has been classified as a Variant of Uncertain Significance. Algorithms developed to predict the effect of missense changes on protein structure and function are either unavailable or do not agree on the potential impact of this missense change (SIFT: "Tolerated"; PolyPhen-2: "Probably Damaging"; Align-GVGD: "Class C0"). This variant has not been reported in the literature in individuals affected with GATA2-related conditions. This variant is not present in population databases (gnomAD no frequency). This sequence change replaces lysine, which is basic and polar, with asparagine, which is neutral and polar, at codon 222 of the GATA2 protein (p.Lys222Asn).